The following is an entry in ClinVar:

NM_001205293.3(CACNA1E):c.1171+11_1171+28del

Gene: CACNA1E (calcium voltage-gated channel subunit alpha1 E; plus strand). Cytogenetic location: 1q25.3.
Variant type: Deletion.
Coding change: c.1171+11_1171+28del on transcript NM_001205293.3 (MANE Select); bases 11 to 28 of the intron after coding-DNA position 1171, 18 bases deleted (GGGGCTGCAGGAGGCTGG).
Molecular consequence: intron variant.
Genome position (GRCh38, 1-based): chr1:181,711,080-181,711,097, GGGGCTGCAGGAGGCTGG deleted; deleting any 18 consecutive bases within chr1:181,711,076-181,711,097 gives the same sequence; the c. name uses the placement nearest the transcript's 3' end. VCF-style (leftmost placement, unchanged base first): chr1-181711075-CCTGGGGGGCTGCAGGAGG-C. GRCh37 (hg19) VCF-style: chr1-181680211-CCTGGGGGGCTGCAGGAGG-C.
Other names: c.1171+11_1171+28del (NM_000721.4, NM_001205294.2).
Identifiers: ClinVar variation 2067993 (VCV002067993.4), dbSNP rs745773230, ClinGen allele CA1275048.
Genomic context (GRCh38, chr1:181,711,075, plus strand): 5'-CAGCAGCAGATTGAGCGTGAGCTGAATGGCTACCGTGCCTGGATAGACAAAGCAGGTAGG[CCTGGGGGGCTGCAGGAGG>C]CTGGTGAGTGGGCTGCAGAGACATCAGGGCCGGCCCCTCACTCCCAATGCTCCCATTCAA-3'

ClinVar aggregate classification (germline): Uncertain significance (1 of 4 stars; one submission).

Submission:

Labcorp Genetics (formerly Invitae), Labcorp
Classification: Uncertain significance. Last evaluated: 2021-12-31. Review status: criteria provided, single submitter. Criteria: Invitae Variant Classification Sherloc (09022015). Collection method: clinical testing. Allele origin: germline.
Comment: Algorithms developed to predict the effect of sequence changes on RNA splicing suggest that this variant may create or strengthen a splice site. In summary, the available evidence is currently insufficient to determine the role of this variant in disease. Therefore, it has been classified as a Variant of Uncertain Significance. This variant has not been reported in the literature in individuals affected with CACNA1E-related conditions. This variant is present in population databases (rs745773230, gnomAD 0.0009%). This sequence change falls in intron 8 of the CACNA1E gene. It does not directly change the encoded amino acid sequence of the CACNA1E protein.